The following is an entry in ClinVar:

NM_133261.3(GIPC3):c.271C>T (p.Leu91Phe)

Gene: GIPC3 (GIPC PDZ domain containing family member 3; plus strand). Cytogenetic location: 19p13.3.
Variant type: single nucleotide variant.
Coding change: c.271C>T on transcript NM_133261.3 (MANE Select); coding-DNA position 271, C replaced by T.
Protein change: p.Leu91Phe; replaces leucine 91 with phenylalanine.
Molecular consequence: missense variant.
Genome position (GRCh38, 1-based): chr19:3,586,540, C>T. VCF-style: chr19-3586540-C-T. GRCh37 (hg19) VCF-style: chr19-3586538-C-T.
Other names: short protein forms L91F.
Identifiers: ClinVar variation 667241 (VCV000667241.4), dbSNP rs1599862314, ClinGen allele CA403361135.
Genomic context (GRCh38, chr19:3,586,540, plus strand): 5'-TTCTCCCCCGGGAAGATTTTATTCTGCACCCTCAACAGCCACAAAGTGGACATGCAGAAG[C>T]TCCTGGGGGGTCAGATAGGCCTGGAGGACTTCATCTTTGCCCACGTGCGAGGCGAGACCA-3'
Protein context (NP_573568.1, residues 81-101): LNSHKVDMQK[Leu91Phe]LGGQIGLEDF

ClinVar aggregate classification (germline): Uncertain significance (1 of 4 stars; one submission).

Allele frequency attached by ClinVar (database versions not stated): gnomAD exomes below 0.00001; TOPMed below 0.00001; gnomAD 0.00001.
gnomAD v4.1: 2 of 1,613,838 alleles (0.00012%); highest among the groups gnomAD compares: Non-Finnish European, 0.00017%; no homozygotes.

Submission:

Laboratory for Molecular Medicine, Mass General Brigham Personalized Medicine
Classification: Uncertain significance. Last evaluated: 2018-09-06. Review status: criteria provided, single submitter. Criteria: LMM Criteria. Collection method: clinical testing. Allele origin: germline. Observed: 1 variant allele.
Comment: The p.Leu91Phe variant in GIPC3 has not been previously reported in individuals with hearing loss and was absent from large population studies. Computational pr ediction tools and conservation analysis suggest that the p.Leu91Phe variant may impact the protein, though this information is not predictive enough to determi ne pathogenicity. In summary, the clinical significance of the p.Leu91Phe varian t is uncertain. ACMG/AMP Criteria applied: PM2, PP3.